The following is an entry in ClinVar:

ClinVar aggregate classification (germline): Uncertain significance. Review status: criteria provided, multiple submitters, no conflicts (2 of 4 stars). 3 submissions from 3 submitters: Uncertain significance (3). Last evaluated 2025-09-26.

Conditions:
Hereditary nonpolyposis colorectal neoplasms. Identifiers: MedGen C0009405, MeSH D003123.
Hereditary cancer-predisposing syndrome. Also called: Neoplastic Syndromes, Hereditary; Tumor predisposition; Hereditary neoplastic syndrome; Hereditary Cancer Syndrome. Identifiers: Orphanet 140162, MedGen C0027672, MeSH D009386, MONDO:0015356.

Submissions (3):

Ambry Genetics
Classification: Uncertain significance for Hereditary cancer-predisposing syndrome. Last evaluated: 2025-09-26. Review status: criteria provided, single submitter. Criteria: Ambry Variant Classification Scheme 2023. Collection method: clinical testing. Allele origin: germline.
Comment: The p.P247A variant (also known as c.739C>G), located in coding exon 7 of the PMS2 gene, results from a C to G substitution at nucleotide position 739. The proline at codon 247 is replaced by alanine, an amino acid with highly similar properties. This amino acid position is highly conserved in available vertebrate species. In addition, the in silico prediction for this alteration is inconclusive. Based on the available evidence, the clinical significance of this variant remains unclear.

Color Diagnostics, LLC DBA Color Health
Classification: Uncertain significance for Hereditary cancer-predisposing syndrome. Last evaluated: 2025-07-17. Review status: criteria provided, single submitter. Criteria: ACMG Guidelines, 2015. Collection method: clinical testing. Allele origin: germline.
Comment: This missense variant replaces proline with alanine at codon 247 of the PMS2 protein. Computational prediction is inconclusive regarding the impact of this variant on protein structure and function. To our knowledge, functional studies have not been reported for this variant. This variant has not been reported in individuals affected with PMS2-related disorders in the literature. This variant has not been identified in the general population by the Genome Aggregation Database (gnomAD). The available evidence is insufficient to determine the role of this variant in disease conclusively. Therefore, this variant is classified as a Variant of Uncertain Significance.

Labcorp Genetics (formerly Invitae), Labcorp
Classification: Uncertain significance for Hereditary nonpolyposis colorectal neoplasms. Last evaluated: 2023-08-27. Review status: criteria provided, single submitter. Criteria: Invitae Variant Classification Sherloc (09022015). Collection method: clinical testing. Allele origin: germline.
Comment: In summary, the available evidence is currently insufficient to determine the role of this variant in disease. Therefore, it has been classified as a Variant of Uncertain Significance. Advanced modeling of protein sequence and biophysical properties (such as structural, functional, and spatial information, amino acid conservation, physicochemical variation, residue mobility, and thermodynamic stability) performed at Invitae indicates that this missense variant is expected to disrupt PMS2 protein function. ClinVar contains an entry for this variant (Variation ID: 568789). This variant has not been reported in the literature in individuals affected with PMS2-related conditions. This variant is not present in population databases (gnomAD no frequency). This sequence change replaces proline, which is neutral and non-polar, with alanine, which is neutral and non-polar, at codon 247 of the PMS2 protein (p.Pro247Ala).

NM_000535.7(PMS2):c.739C>G (p.Pro247Ala)

Gene: PMS2 (PMS1 homolog 2, mismatch repair system component; minus strand). Cytogenetic location: 7p22.1.
Variant type: single nucleotide variant.
Coding change: c.739C>G on transcript NM_000535.7 (MANE Select); coding-DNA position 739, C replaced by G.
Protein change: p.Pro247Ala; replaces proline 247 with alanine.
Molecular consequence: missense variant. On other transcripts: 5 prime UTR variant (2), non-coding transcript variant (1).
Genome position (GRCh38, 1-based): chr7:5,997,390, G>C on the plus strand (C>G on the coding strand, the complement: PMS2 is on the minus strand). VCF-style: chr7-5997390-G-C. GRCh37 (hg19) VCF-style: chr7-6037021-G-C.
Other names: c.334C>G, p.Pro112Ala (NM_001322003.2, NM_001322004.2, NM_001322005.2 and 2 more transcripts); c.739C>G, p.Pro247Ala (NM_001322006.2, NM_001322014.2); c.421C>G, p.Pro141Ala (NM_001322007.2, NM_001322008.2); c.-195C>G (NM_001322011.2, NM_001322012.2); c.166C>G, p.Pro56Ala (NM_001322013.2); c.430C>G, p.Pro144Ala (NM_001322015.2); short protein forms P247A, P112A, P144A, P56A, P141A.
Identifiers: ClinVar variation 568789 (VCV000568789.17), dbSNP rs878854058, ClinGen allele CA366743734.